The following is an entry in ClinVar:

NM_000038.6(APC):c.1758A>G (p.Lys586=)

Gene: APC (APC regulator of Wnt signaling pathway; plus strand). Cytogenetic location: 5q22.2.
Variant type: single nucleotide variant.
Coding change: c.1758A>G on transcript NM_000038.6 (MANE Select); coding-DNA position 1758, A replaced by G.
Protein change: p.Lys586=; no amino-acid change (lysine 586 retained).
Molecular consequence: synonymous variant. On other transcripts: non-coding transcript variant (2).
Genome position (GRCh38, 1-based): chr5:112,834,965, A>G. VCF-style: chr5-112834965-A-G. GRCh37 (hg19) VCF-style: chr5-112170662-A-G.
Other names: c.1758A>G, p.Lys586= (NM_001127510.3, NM_001354895.2, NM_001407450.1); c.1704A>G, p.Lys568= (NM_001127511.3); c.1812A>G, p.Lys604= (NM_001354896.2, NM_001407447.1, NM_001407448.1 and 1 more transcripts); c.1788A>G, p.Lys596= (NM_001354897.2); c.1683A>G, p.Lys561= (NM_001354898.2); c.1674A>G, p.Lys558= (NM_001354899.2); c.1635A>G, p.Lys545= (NM_001354900.2); c.1581A>G, p.Lys527= (NM_001354901.2, NM_001407453.1); and 11 more.
Identifiers: ClinVar variation 3148752 (VCV003148752.2), dbSNP rs2533332226, ClinGen allele CA445758386.
Genomic context (GRCh38, chr5:112,834,965, plus strand): 5'-CAAATTCCAACTCTAATTAGATGACCCATATTCTGTTTCTTACTAGGAATCAACCCTCAA[A>G]AGCGTATTGAGTGCCTTATGGAATTTGTCAGCACATTGCACTGAGAATAAAGCTGATATA-3'
Protein context (NP_000029.2, residues 576-596): ALEVKKESTL[Lys586=]SVLSALWNLS

ClinVar aggregate classification (germline): Benign/Likely benign. Review status: criteria provided, multiple submitters, no conflicts (2 of 4 stars). 2 submissions from 2 submitters: Benign (1); Likely benign (1). Last evaluated 2025-07-07.

Conditions:
Familial adenomatous polyposis 1 (FAP1). Also called: POLYPOSIS, ADENOMATOUS INTESTINAL; FAMILIAL ADENOMATOUS POLYPOSIS 1, ATTENUATED. Identifiers: MedGen C2713442, MONDO:0021056, OMIM 175100. Disease mechanism: loss of function.
Hereditary cancer-predisposing syndrome. Also called: Neoplastic Syndromes, Hereditary; Tumor predisposition; Hereditary neoplastic syndrome; Hereditary Cancer Syndrome. Identifiers: Orphanet 140162, MedGen C0027672, MeSH D009386, MONDO:0015356.

Submissions (2):

Color Diagnostics, LLC DBA Color Health
Classification: Likely benign for Hereditary cancer-predisposing syndrome. Last evaluated: 2025-07-07. Review status: criteria provided, single submitter. Criteria: ACMG Guidelines, 2015. Collection method: clinical testing. Allele origin: germline.

Myriad Genetics, Inc.
Classification: Benign for Familial adenomatous polyposis 1. Last evaluated: 2024-03-07. Review status: criteria provided, single submitter. Criteria: Myriad Autosomal Dominant, Autosomal Recessive and X-Linked Classification Criteria (2023). Collection method: clinical testing. Allele origin: unknown.
Comment: This variant is considered benign. This variant is a silent/synonymous amino acid change and it is not expected to impact splicing.